The following is an entry in ClinVar:

NM_000701.8(ATP1A1):c.1879A>G (p.Ile627Val)

Genes: ATP1A1 (ATPase Na+/K+ transporting subunit alpha 1; plus strand), ATP1A1-AS1 (ATP1A1 antisense RNA 1; minus strand). Cytogenetic location: 1p13.1.
Variant type: single nucleotide variant.
Coding change: c.1879A>G on transcript NM_000701.8 (MANE Select); coding-DNA position 1879, A replaced by G.
Protein change: p.Ile627Val; replaces isoleucine 627 with valine.
Molecular consequence: missense variant.
Genome position (GRCh38, 1-based): chr1:116,396,640, A>G. VCF-style: chr1-116396640-A-G. GRCh37 (hg19) VCF-style: chr1-116939262-A-G.
Other names: c.1879A>G, p.Ile627Val (NM_001160233.2); c.1786A>G, p.Ile596Val (NM_001160234.2); c.1879A>G (NM_001160233.1); short protein forms I596V, I627V.
Identifiers: ClinVar variation 1511385 (VCV001511385.9), dbSNP rs921744874, ClinGen allele CA29663691.
Genomic context (GRCh38, chr1:116,396,640, plus strand): 5'-TTGTCTTGTTTATTACAGGTCATCATGGTCACAGGAGACCATCCAATCACAGCTAAAGCT[A>G]TTGCCAAAGGTGTGGGCATCATCTCAGAAGGCAATGAGACCGTGGAAGACATTGCTGCCC-3'
Protein context (NP_000692.2, residues 617-637): TGDHPITAKA[Ile627Val]AKGVGIISEG

ClinVar aggregate classification (germline): Uncertain significance. Review status: criteria provided, multiple submitters, no conflicts (2 of 4 stars). 2 submissions from 2 submitters: Uncertain significance (2). Last evaluated 2025-12-10.

Conditions:
Inborn genetic diseases. Identifiers: MedGen C0950123, MeSH D030342.

Allele frequency attached by ClinVar (database versions not stated): gnomAD exomes below 0.00001.
gnomAD v4.1: 1 of 1,613,812 alleles (0.000062%); highest among the groups gnomAD compares: Non-Finnish European, 0.000085%; no homozygotes.

Submissions (2):

Labcorp Genetics (formerly Invitae), Labcorp
Classification: Uncertain significance. Last evaluated: 2025-12-10. Review status: criteria provided, single submitter. Criteria: Invitae Variant Classification Sherloc (09022015). Collection method: clinical testing. Allele origin: germline.
Comment: This sequence change replaces isoleucine, which is neutral and non-polar, with valine, which is neutral and non-polar, at codon 627 of the ATP1A1 protein (p.Ile627Val). This variant is not present in population databases (gnomAD no frequency). This variant has not been reported in the literature in individuals affected with ATP1A1-related conditions. ClinVar contains an entry for this variant (Variation ID: 1511385). Invitae Evidence Modeling of protein sequence and biophysical properties (such as structural, functional, and spatial information, amino acid conservation, physicochemical variation, residue mobility, and thermodynamic stability) has been performed for this missense variant. However, the output from this modeling did not meet the statistical confidence thresholds required to predict the impact of this variant on ATP1A1 protein function. In summary, the available evidence is currently insufficient to determine the role of this variant in disease. Therefore, it has been classified as a Variant of Uncertain Significance.

Ambry Genetics
Classification: Uncertain significance for Inborn genetic diseases. Last evaluated: 2022-01-26. Review status: criteria provided, single submitter. Criteria: Ambry Variant Classification Scheme 2023. Collection method: clinical testing. Allele origin: germline.